The following is an entry in ClinVar:

ClinVar aggregate classification (germline): Uncertain significance. Review status: criteria provided, multiple submitters, no conflicts (2 of 4 stars). 2 submissions from 2 submitters: Uncertain significance (2). Last evaluated 2025-08-11.

Conditions:
Inborn genetic diseases. Identifiers: MedGen C0950123, MeSH D030342.
Osteogenesis imperfecta type 8 (OI8). Identifiers: MedGen C1970458, MONDO:0012581, OMIM 610915.

Allele frequency attached by ClinVar (database versions not stated): gnomAD exomes below 0.00001; ExAC 0.00001; gnomAD 0.00001; TOPMed 0.00002; ESP Exome Variant Server 0.00015.
gnomAD v4.1: 7 of 1,614,022 alleles (0.00043%); highest among the groups gnomAD compares: Non-Finnish European, 0.00059%; no homozygotes.

Submissions (2):

Ambry Genetics
Classification: Uncertain significance for Inborn genetic diseases. Last evaluated: 2025-08-11. Review status: criteria provided, single submitter. Criteria: Ambry Variant Classification Scheme 2023. Collection method: clinical testing. Allele origin: germline.

Labcorp Genetics (formerly Invitae), Labcorp
Classification: Uncertain significance for Osteogenesis imperfecta type 8. Last evaluated: 2021-08-24. Review status: criteria provided, single submitter. Criteria: Invitae Variant Classification Sherloc (09022015). Collection method: clinical testing. Allele origin: germline.
Comment: This sequence change replaces tyrosine with cysteine at codon 239 of the P3H1 protein (p.Tyr239Cys). The tyrosine residue is weakly conserved and there is a large physicochemical difference between tyrosine and cysteine. This variant is present in population databases (rs201104050, ExAC 0.001%). This variant has not been reported in the literature in individuals affected with P3H1-related conditions. Algorithms developed to predict the effect of missense changes on protein structure and function are either unavailable or do not agree on the potential impact of this missense change (SIFT: "Deleterious"; PolyPhen-2: "Benign"; Align-GVGD: "Class C15"). Algorithms developed to predict the effect of sequence changes on RNA splicing suggest that this variant may create or strengthen a splice site. In summary, the available evidence is currently insufficient to determine the role of this variant in disease. Therefore, it has been classified as a Variant of Uncertain Significance.

NM_022356.4(P3H1):c.716A>G (p.Tyr239Cys)

Gene: P3H1 (prolyl 3-hydroxylase 1; minus strand). Cytogenetic location: 1p34.2.
Variant type: single nucleotide variant.
Coding change: c.716A>G on transcript NM_022356.4 (MANE Select); coding-DNA position 716, A replaced by G.
Protein change: p.Tyr239Cys; replaces tyrosine 239 with cysteine.
Molecular consequence: missense variant.
Genome position (GRCh38, 1-based): chr1:42,759,293, T>C on the plus strand (A>G on the coding strand, the complement: P3H1 is on the minus strand). VCF-style: chr1-42759293-T-C. GRCh37 (hg19) VCF-style: chr1-43224964-T-C.
Other names: c.716A>G, p.Tyr239Cys (NM_001146289.2, NM_001243246.2); c.716A>G (NM_022356.3); short protein forms Y239C.
Identifiers: ClinVar variation 1025259 (VCV001025259.7), dbSNP rs201104050, ClinGen allele CA802092.